The following is an entry in ClinVar:

NM_014159.7(SETD2):c.1366C>T (p.Arg456Ter)

Gene: SETD2 (SET domain containing 2, histone lysine methyltransferase; minus strand). Cytogenetic location: 3p21.31.
Variant type: single nucleotide variant.
Coding change: c.1366C>T on transcript NM_014159.7 (MANE Select); coding-DNA position 1366, C replaced by T.
Protein change: p.Arg456Ter; replaces arginine 456 with a stop codon.
Molecular consequence: nonsense. On other transcripts: non-coding transcript variant (1).
Genome position (GRCh38, 1-based): chr3:47,123,270, G>A on the plus strand (C>T on the coding strand, the complement: SETD2 is on the minus strand). VCF-style: chr3-47123270-G-A. GRCh37 (hg19) VCF-style: chr3-47164760-G-A.
Other names: c.1234C>T, p.Arg412Ter (NM_001349370.3); short protein forms R412*, R456*.
Identifiers: ClinVar variation 4530258 (VCV004530258.1).
Genomic context (GRCh38, chr3:47,123,270, plus strand): 5'-GAGATGAGGTACGCCTTGAGTATGTCTTCTTATACTCTTCTTCTGAGTCAGAACTCTCTC[G>A]TGCTCTGTTATCTGTGTATGGCCGAGAATAGCGCGTCCTCTCTCGATAAGGGGAGCTCCT-3'

ClinVar aggregate classification (somatic clinical impact): Tier I - Strong (1 of 4 stars; one submission).

Conditions:
Diffuse pediatric-type high-grade glioma, H3-wildtype and IDH-wildtype. Identifiers: MedGen C5669918, MONDO:0858939.

Submission:

Institute for Genomic Medicine (IGM) Clinical Laboratory, Nationwide Children's Hospital
Classification: Tier I - Strong for Diffuse pediatric-type high-grade glioma, H3-wildtype and IDH-wildtype. Assertion type: diagnostic. Clinical significance: supports diagnosis. Last evaluated: 2023-07-03. Review status: criteria provided, single submitter. Criteria: AMP/ASCO/CAP Guidelines, 2017. Collection method: clinical testing. Allele origin: somatic. Affected: yes.
Comment: Variant has Tier I (strong) clinical significance as a diagnostic inclusion criterion in diffuse pediatric-type high-grade glioma, H3-wildtype and IDH-wildtype, based on the following evidence: 1) Documented in one or more cancer databases (e.g., St. Jude Pecan, COSMIC, CIViC, OncoKB). 2) Diagnostic for a specific tumor type/classification based on well-powered studies with expert-level consensus (Evidence Level B).